The following is an entry in ClinVar:

NM_014112.5(TRPS1):c.665A>G (p.Asn222Ser)

Gene: TRPS1 (transcriptional repressor GATA binding 1; minus strand). Cytogenetic location: 8q23.3.
Variant type: single nucleotide variant.
Coding change: c.665A>G on transcript NM_014112.5 (MANE Select); coding-DNA position 665, A replaced by G.
Protein change: p.Asn222Ser; replaces asparagine 222 with serine.
Molecular consequence: missense variant.
Genome position (GRCh38, 1-based): chr8:115,619,433, T>C on the plus strand (A>G on the coding strand, the complement: TRPS1 is on the minus strand). VCF-style: chr8-115619433-T-C. GRCh37 (hg19) VCF-style: chr8-116631660-T-C.
Other names: c.638A>G, p.Asn213Ser (NM_001282902.3); c.644A>G, p.Asn215Ser (NM_001282903.3); c.626A>G, p.Asn209Ser (NM_001330599.2); short protein forms N222S, N213S, N209S, N215S.
Identifiers: ClinVar variation 361627 (VCV000361627.16), dbSNP rs61745721, ClinGen allele CA4851959.

ClinVar aggregate classification (germline): Benign/Likely benign. Review status: criteria provided, multiple submitters, no conflicts (2 of 4 stars). 4 submissions from 4 submitters: Benign (2); Likely benign (1). 1 of the submissions does not count toward it. Last evaluated 2026-01-26.

Conditions:
TRPS1-related disorder. Also called: TRPS1-related condition.
Trichorhinophalangeal syndrome, type III (TRPS3). Also called: SUGIO-KAJII SYNDROME. Identifiers: Orphanet 77258, MedGen C1860823, OMIM 190351, MONDO:0008597.
Trichorhinophalangeal dysplasia type I (TRPS1). Also called: TRICHORHINOPHALANGEAL SYNDROME, TYPE I; TRPS I. Identifiers: Orphanet 77258, MedGen C0432233, MONDO:0008596, OMIM 190350.
Inborn genetic diseases. Identifiers: MedGen C0950123, MeSH D030342.

Allele frequency attached by ClinVar (database versions not stated): 1000 Genomes Project 0.00020; 1000 Genomes Project 30x 0.00031; ESP Exome Variant Server 0.00032; gnomAD 0.00034 and 0.00036; gnomAD exomes 0.00046 and 0.00065; TOPMed 0.00049; ExAC 0.00053.
gnomAD v4.1: 744 of 1,614,174 alleles (0.046%); highest among the groups gnomAD compares: Middle Eastern, 0.099%; 1 homozygote.

Submissions (4):

Labcorp Genetics (formerly Invitae), Labcorp
Classification: Benign for Trichorhinophalangeal syndrome, type III; Trichorhinophalangeal dysplasia type I. Last evaluated: 2026-01-26. Review status: criteria provided, single submitter. Criteria: Invitae Variant Classification Sherloc (09022015). Collection method: clinical testing. Allele origin: germline.

Ambry Genetics
Classification: Likely benign for Inborn genetic diseases. Last evaluated: 2021-06-14. Review status: criteria provided, single submitter. Criteria: Ambry Variant Classification Scheme 2023. Collection method: clinical testing. Allele origin: germline.

Breakthrough Genomics
Classification: Benign. Review status: criteria provided, single submitter. Criteria: ACMG Guidelines, 2015. Collection method: not provided. Allele origin: germline. Inheritance: Autosomal dominant inheritance. Affected: yes.

PreventionGenetics, part of Exact Sciences
Classification: Benign for TRPS1-related condition. Last evaluated: 2019-10-22. Review status: no assertion criteria provided. Collection method: clinical testing. Allele origin: germline. Not counted in ClinVar's aggregate classification.
Comment: This variant is classified as benign based on ACMG/AMP sequence variant interpretation guidelines (Richards et al. 2015 PMID: 25741868, with internal and published modifications).